The following is an entry in ClinVar:

ClinVar aggregate classification (germline): Pathogenic (0 of 4 stars; one submission).

Conditions:
Fanconi anemia complementation group D2. Also called: FANCD2-Related Fanconi Anemia; FANCONI PANCYTOPENIA, TYPE 4; FANCONI ANEMIA, COMPLEMENTATION GROUP D. Identifiers: Orphanet 84, MedGen C3160738, MONDO:0009214, OMIM 227646.

Submission:

Leiden Open Variation Database
Classification: Pathogenic for Fanconi anemia complementation group D2. Last evaluated: 2020-02-28. Review status: no assertion criteria provided. Collection method: curation. Allele origin: germline. Affected: yes.
Comment: Curator: Arleen D. Auerbach. Submitter to LOVD: Arleen D. Auerbach.

Literature cited by the submitters: PubMed 17436244.

NM_001018115.3(FANCD2):c.2835dup (p.Asp947fs)

Genes: FANCD2 (FA complementation group D2; plus strand), LOC107303338 (3p25 FANCD2 Alu-mediated recombination region; plus strand). Cytogenetic location: 3p25.3.
Variant type: Duplication.
Coding change: c.2835dup on transcript NM_001018115.3 (MANE Select); coding-DNA position 2835, one base duplicated (C; older notation c.2835dupC).
Protein change: p.Asp947fs; shifts the reading frame from aspartic acid 947.
Molecular consequence: frameshift variant.
Genome position (GRCh38, 1-based): chr3:10,074,649, C duplicated. VCF-style (leftmost placement, unchanged base first): chr3-10074648-T-TC. GRCh37 (hg19) VCF-style: chr3-10116332-T-TC.
Other names: c.2835dup, p.Asp947fs (NM_001319984.2, NM_001374254.1, NM_033084.6); c.2724dup, p.Asp910fs (NM_001374253.1); short protein forms D910fs, D947fs.
Identifiers: ClinVar variation 929664 (VCV000929664.1), dbSNP rs1693439048, ClinGen allele CA1139657892.